The following is an entry in ClinVar:

ClinVar aggregate classification (germline): Uncertain significance (1 of 4 stars; one submission).

Conditions:
Familial hemophagocytic lymphohistiocytosis 4 (FHL4). Also called: STX11-Related Familial Hemophagocytic Lymphohistiocytosis (STX11-fHLH). Identifiers: Orphanet 540, MedGen C1863728, MONDO:0011336, OMIM 603552.

Allele frequency attached by ClinVar (database versions not stated): gnomAD 0.00001.
gnomAD v4.1: 3 of 1,609,200 alleles (0.00019%); highest among the groups gnomAD compares: African/African-American, 0.0027%; no homozygotes.

Submission:

Labcorp Genetics (formerly Invitae), Labcorp
Classification: Uncertain significance for Familial hemophagocytic lymphohistiocytosis 4. Last evaluated: 2023-12-11. Review status: criteria provided, single submitter. Criteria: Invitae Variant Classification Sherloc (09022015). Collection method: clinical testing. Allele origin: germline.
Comment: This sequence change replaces glutamic acid, which is acidic and polar, with lysine, which is basic and polar, at codon 109 of the STX11 protein (p.Glu109Lys). This variant is present in population databases (no rsID available, gnomAD 0.007%). This variant has not been reported in the literature in individuals affected with STX11-related conditions. Advanced modeling of protein sequence and biophysical properties (such as structural, functional, and spatial information, amino acid conservation, physicochemical variation, residue mobility, and thermodynamic stability) performed at Invitae indicates that this missense variant is not expected to disrupt STX11 protein function with a negative predictive value of 80%. In summary, the available evidence is currently insufficient to determine the role of this variant in disease. Therefore, it has been classified as a Variant of Uncertain Significance.

NM_003764.4(STX11):c.325G>A (p.Glu109Lys)

Gene: STX11 (syntaxin 11; plus strand). Cytogenetic location: 6q24.2.
Variant type: single nucleotide variant.
Coding change: c.325G>A on transcript NM_003764.4 (MANE Select); coding-DNA position 325, G replaced by A.
Protein change: p.Glu109Lys; replaces glutamic acid 109 with lysine.
Molecular consequence: missense variant.
Genome position (GRCh38, 1-based): chr6:144,186,952, G>A. VCF-style: chr6-144186952-G-A. GRCh37 (hg19) VCF-style: chr6-144508089-G-A.
Other names: short protein forms E109K.
Identifiers: ClinVar variation 2812463 (VCV002812463.3), dbSNP rs1446340815, ClinGen allele CA365949006.